The following is an entry in ClinVar:

NM_004393.6(DAG1):c.-130C>T

Genes: DAG1 (dystroglycan 1; plus strand), LOC129936758 (ATAC-STARR-seq lymphoblastoid silent region 14366; plus strand). Cytogenetic location: 3p21.31.
Variant type: single nucleotide variant.
Coding change: c.-130C>T on transcript NM_004393.6 (MANE Select); 130 bases upstream of the start codon, C replaced by T.
Molecular consequence: 5 prime UTR variant. On other transcripts: intron variant (2).
Genome position (GRCh38, 1-based): chr3:49,470,420, C>T. VCF-style: chr3-49470420-C-T. GRCh37 (hg19) VCF-style: chr3-49507853-C-T.
Other names: c.-491C>T (NM_001165928.4); c.-434C>T (NM_001177634.3); c.-412C>T (NM_001177636.3); c.-250C>T (NM_001177637.3); c.-281C>T (NM_001177638.3); c.-187C>T (NM_001177640.3); c.-277C>T (NM_001177641.3); c.-182C>T (NM_001177642.3); and 3 more.
Identifiers: ClinVar variation 382769 (VCV000382769.2), dbSNP rs1016898456, ClinGen allele CA16604495.

ClinVar aggregate classification (germline): Likely benign (1 of 4 stars; one submission).

Allele frequency attached by ClinVar (database versions not stated): gnomAD 0.00003.

Submission:

GeneDx
Classification: Likely benign. Last evaluated: 2016-01-28. Review status: criteria provided, single submitter. Criteria: GeneDx Variant Classification (06012015). Collection method: clinical testing. Allele origin: germline. Affected: yes.
Comment: This variant is considered likely benign or benign based on one or more of the following criteria: it is a conservative change, it occurs at a poorly conserved position in the protein, it is predicted to be benign by multiple in silico algorithms, and/or has population frequency not consistent with disease.